The following is an entry in ClinVar:

NM_016169.4(SUFU):c.1028G>C (p.Arg343Pro)

Gene: SUFU (SUFU negative regulator of hedgehog signaling; plus strand). Cytogenetic location: 10q24.32.
Variant type: single nucleotide variant.
Coding change: c.1028G>C on transcript NM_016169.4 (MANE Select); coding-DNA position 1028, G replaced by C.
Protein change: p.Arg343Pro; replaces arginine 343 with proline.
Molecular consequence: missense variant.
Genome position (GRCh38, 1-based): chr10:102,615,273, G>C. VCF-style: chr10-102615273-G-C. GRCh37 (hg19) VCF-style: chr10-104375030-G-C.
Other names: c.1028G>C, p.Arg343Pro (NM_001178133.2); short protein forms R343P.
Identifiers: ClinVar variation 2008493 (VCV002008493.4), dbSNP rs79299301, ClinGen allele CA377913554.

ClinVar aggregate classification (germline): Uncertain significance (1 of 4 stars; one submission).

Conditions:
Gorlin syndrome. Also called: Nevoid Basal Cell Carcinoma Syndrome; Basal cell nevus syndrome. Identifiers: Orphanet 377, MedGen C0004779, MONDO:0007187.
Medulloblastoma (MDB). Also called: Medulloblastoma, somatic; MEDULLOBLASTOMA PREDISPOSITION SYNDROME. Identifiers: Orphanet 616, MedGen C0025149, MeSH D008527, MONDO:0007959, OMIM 155255, HP:0002885.

Submission:

Labcorp Genetics (formerly Invitae), Labcorp
Classification: Uncertain significance for Gorlin syndrome; Medulloblastoma. Last evaluated: 2022-06-19. Review status: criteria provided, single submitter. Criteria: Invitae Variant Classification Sherloc (09022015). Collection method: clinical testing. Allele origin: germline.
Comment: Algorithms developed to predict the effect of missense changes on protein structure and function are either unavailable or do not agree on the potential impact of this missense change (SIFT: "Deleterious"; PolyPhen-2: "Probably Damaging"; Align-GVGD: "Class C0"). This variant is not present in population databases (gnomAD no frequency). This variant has not been reported in the literature in individuals affected with SUFU-related conditions. This sequence change replaces arginine, which is basic and polar, with proline, which is neutral and non-polar, at codon 343 of the SUFU protein (p.Arg343Pro). In summary, the available evidence is currently insufficient to determine the role of this variant in disease. Therefore, it has been classified as a Variant of Uncertain Significance.